The following is an entry in ClinVar:

NM_000051.4(ATM):c.446T>C (p.Ile149Thr)

Gene: ATM (ATM serine/threonine kinase; plus strand). Cytogenetic location: 11q22.3.
Variant type: single nucleotide variant.
Coding change: c.446T>C on transcript NM_000051.4 (MANE Select); coding-DNA position 446, T replaced by C.
Protein change: p.Ile149Thr; replaces isoleucine 149 with threonine.
Molecular consequence: missense variant.
Genome position (GRCh38, 1-based): chr11:108,235,784, T>C. VCF-style: chr11-108235784-T-C. GRCh37 (hg19) VCF-style: chr11-108106511-T-C.
Other names: c.446T>C, p.Ile149Thr (NM_001351834.2); short protein forms I149T.
Identifiers: ClinVar variation 4843897 (VCV004843897.1).

ClinVar aggregate classification (germline): Uncertain significance (1 of 4 stars; one submission).

Conditions:
Hereditary cancer-predisposing syndrome. Also called: Neoplastic Syndromes, Hereditary; Tumor predisposition; Hereditary Cancer Syndrome; Hereditary neoplastic syndrome. Identifiers: Orphanet 140162, MedGen C0027672, MeSH D009386, MONDO:0015356.

Submission:

Ambry Genetics
Classification: Uncertain significance for Hereditary cancer-predisposing syndrome. Last evaluated: 2025-12-22. Review status: criteria provided, single submitter. Criteria: Ambry Variant Classification Scheme 2023. Collection method: clinical testing. Allele origin: germline.
Comment: The p.I149T variant (also known as c.446T>C), located in coding exon 4 of the ATM gene, results from a T to C substitution at nucleotide position 446. The isoleucine at codon 149 is replaced by threonine, an amino acid with similar properties. In an assay testing ATM function, this variant showed a functionally abnormal result (Lee KS et al. Cell, 2025 Sep;188:5081-5099.e27). This amino acid position is highly conserved in available vertebrate species. In addition, this alteration is predicted to be deleterious by in silico analysis. Based on the available evidence, the clinical significance of this variant remains unclear.

Literature cited by the submitters: PubMed 40580951.